The following is an entry in ClinVar:

ClinVar aggregate classification (germline): Likely pathogenic (1 of 4 stars; one submission).

Submission:

GeneDx
Classification: Likely pathogenic. Last evaluated: 2022-11-21. Review status: criteria provided, single submitter. Criteria: GeneDx Variant Classification Process June 2021. Collection method: clinical testing. Allele origin: germline. Affected: yes.
Comment: Frameshift variant predicted to result in protein truncation or nonsense mediated decay in a gene for which loss-of-function is a known mechanism of disease; Not observed at significant frequency in large population cohorts (gnomAD); Has not been previously published as pathogenic or benign to our knowledge

NM_025099.6(CTC1):c.1805_1811dup (p.Ala605fs)

Gene: CTC1 (CST telomere replication complex component 1; minus strand). Cytogenetic location: 17p13.1.
Variant type: Duplication.
Coding change: c.1805_1811dup on transcript NM_025099.6 (MANE Select); coding-DNA positions 1805 to 1811, 7 bases duplicated (TCTGCCC; older notation c.1805_1811dupTCTGCCC).
Protein change: p.Ala605fs; shifts the reading frame from alanine 605.
Molecular consequence: frameshift variant. On other transcripts: non-coding transcript variant (1).
Genome position (GRCh38, 1-based): chr17:8,234,462-8,234,468, GGGCAGA duplicated on the plus strand (TCTGCCC on the coding strand, the reverse complement: CTC1 is on the minus strand). VCF-style (leftmost placement, unchanged base first): chr17-8234461-T-TGGGCAGA. GRCh37 (hg19) VCF-style: chr17-8137779-T-TGGGCAGA.
Other names: c.1805_1811dupTCTGCCC (NM_025099.5); short protein forms A605fs.
Identifiers: ClinVar variation 504447 (VCV000504447.4), dbSNP rs1555533840, ClinGen allele CA658798714.